The following is an entry in ClinVar:

NM_147127.5(EVC2):c.1381G>A (p.Glu461Lys)

Genes: EVC2 (EvC ciliary complex subunit 2; minus strand), LOC126806961 (BRD4-independent group 4 enhancer GRCh37_chr4:5641443-5642642; plus strand). Cytogenetic location: 4p16.2.
Variant type: single nucleotide variant.
Coding change: c.1381G>A on transcript NM_147127.5 (MANE Select); coding-DNA position 1381, G replaced by A.
Protein change: p.Glu461Lys; replaces glutamic acid 461 with lysine.
Molecular consequence: missense variant.
Genome position (GRCh38, 1-based): chr4:5,640,603, C>T on the plus strand (G>A on the coding strand, the complement: EVC2 is on the minus strand). VCF-style: chr4-5640603-C-T. GRCh37 (hg19) VCF-style: chr4-5642330-C-T.
Other names: c.1141G>A, p.Glu381Lys (NM_001166136.2); short protein forms E381K, E461K.
Identifiers: ClinVar variation 1426826 (VCV001426826.6), dbSNP rs2108863818, ClinGen allele CA356151520.

ClinVar aggregate classification (germline): Uncertain significance (1 of 4 stars; one submission).

Conditions:
Ellis-van Creveld syndrome (EVC). Also called: Chondroectodermal dysplasia; EVC-Related Ellis-van Creveld Syndrome; EVC2-Related Ellis-van Creveld Syndrome; MESOECTODERMAL DYSPLASIA. Identifiers: Orphanet 289, MedGen C0013903, MONDO:0009162, OMIM 225500.
Curry-Hall syndrome (WAD). Also called: WEYERS ACRODENTAL DYSOSTOSIS. Identifiers: Orphanet 952, MedGen C0457013, MONDO:0008673, OMIM 193530.

Allele frequency attached by ClinVar (database versions not stated): gnomAD exomes below 0.00001.

Submission:

Labcorp Genetics (formerly Invitae), Labcorp
Classification: Uncertain significance for Curry-Hall syndrome; Ellis-van Creveld syndrome. Last evaluated: 2021-09-01. Review status: criteria provided, single submitter. Criteria: Invitae Variant Classification Sherloc (09022015). Collection method: clinical testing. Allele origin: germline.
Comment: This sequence change replaces glutamic acid with lysine at codon 461 of the EVC2 protein (p.Glu461Lys). The glutamic acid residue is highly conserved and there is a small physicochemical difference between glutamic acid and lysine. This variant is not present in population databases (ExAC no frequency). This variant has not been reported in the literature in individuals affected with EVC2-related conditions. Algorithms developed to predict the effect of missense changes on protein structure and function are either unavailable or do not agree on the potential impact of this missense change (SIFT: "Deleterious"; PolyPhen-2: "Probably Damaging"; Align-GVGD: "Class C0"). In summary, the available evidence is currently insufficient to determine the role of this variant in disease. Therefore, it has been classified as a Variant of Uncertain Significance.